The following is an entry in ClinVar:

NM_005529.7(HSPG2):c.8221G>C (p.Gly2741Arg)

Gene: HSPG2 (heparan sulfate proteoglycan 2; minus strand). Cytogenetic location: 1p36.12.
Variant type: single nucleotide variant.
Coding change: c.8221G>C on transcript NM_005529.7 (MANE Select); coding-DNA position 8221, G replaced by C.
Protein change: p.Gly2741Arg; replaces glycine 2741 with arginine.
Molecular consequence: missense variant.
Genome position (GRCh38, 1-based): chr1:21,846,543, C>G on the plus strand (G>C on the coding strand, the complement: HSPG2 is on the minus strand). VCF-style: chr1-21846543-C-G. GRCh37 (hg19) VCF-style: chr1-22173036-C-G.
Other names: c.8224G>C, p.Gly2742Arg (NM_001291860.2); short protein forms G2741R, G2742R.
Identifiers: ClinVar variation 2582039 (VCV002582039.4), dbSNP rs772375367, ClinGen allele CA670866.

ClinVar aggregate classification (germline): Uncertain significance. Review status: criteria provided, multiple submitters, no conflicts (2 of 4 stars). 2 submissions from 2 submitters: Uncertain significance (2). Last evaluated 2023-10-11.

Allele frequency attached by ClinVar (database versions not stated): gnomAD exomes below 0.00001; ExAC 0.00001; gnomAD 0.00001; TOPMed 0.00002.
gnomAD v4.1: 4 of 1,613,654 alleles (0.00025%); highest among the groups gnomAD compares: African/African-American, 0.0053%; no homozygotes.

Submissions (2):

Labcorp Genetics (formerly Invitae), Labcorp
Classification: Uncertain significance. Last evaluated: 2023-10-11. Review status: criteria provided, single submitter. Criteria: Invitae Variant Classification Sherloc (09022015). Collection method: clinical testing. Allele origin: germline.
Comment: This sequence change replaces glycine, which is neutral and non-polar, with arginine, which is basic and polar, at codon 2741 of the HSPG2 protein (p.Gly2741Arg). This variant is present in population databases (rs772375367, gnomAD 0.01%). This variant has not been reported in the literature in individuals affected with HSPG2-related conditions. An algorithm developed to predict the effect of missense changes on protein structure and function (PolyPhen-2) suggests that this variant is likely to be disruptive. In summary, the available evidence is currently insufficient to determine the role of this variant in disease. Therefore, it has been classified as a Variant of Uncertain Significance.

GeneDx
Classification: Uncertain significance. Last evaluated: 2023-03-31. Review status: criteria provided, single submitter. Criteria: GeneDx Variant Classification Process June 2021. Collection method: clinical testing. Allele origin: germline. Affected: yes.
Comment: In silico analysis supports that this missense variant has a deleterious effect on protein structure/function; Has not been previously published as pathogenic or benign to our knowledge